The following is an entry in ClinVar:

ClinVar aggregate classification (germline): Uncertain significance (1 of 4 stars; one submission).

Submission:

Women's Health and Genetics/Laboratory Corporation of America, LabCorp
Classification: Uncertain significance. Last evaluated: 2025-01-13. Review status: criteria provided, single submitter. Criteria: LabCorp Variant Classification Summary - May 2015. Collection method: clinical testing. Allele origin: germline.
Comment: Variant summary: AUTS2 c.1376T>C (p.Met459Thr) results in a non-conservative amino acid change in the encoded protein sequence. Four of five in-silico tools predict a damaging effect of the variant on protein function. The variant was absent in 248268 control chromosomes. The available data on variant occurrences in the general population are insufficient to allow any conclusion about variant significance. To our knowledge, no occurrence of c.1376T>C in individuals affected with Autism Spectrum Disorder Due To AUTS2 Deficiency and no experimental evidence demonstrating its impact on protein function have been reported. No submitters have cited clinical-significance assessments for this variant to ClinVar. Based on the evidence outlined above, the variant was classified as uncertain significance.

NM_015570.4(AUTS2):c.1376T>C (p.Met459Thr)

Gene: AUTS2 (activator of transcription and developmental regulator AUTS2; plus strand). Cytogenetic location: 7q11.22.
Variant type: single nucleotide variant.
Coding change: c.1376T>C on transcript NM_015570.4 (MANE Select); coding-DNA position 1376, T replaced by C.
Protein change: p.Met459Thr; replaces methionine 459 with threonine.
Molecular consequence: missense variant.
Genome position (GRCh38, 1-based): chr7:70,764,913, T>C. VCF-style: chr7-70764913-T-C. GRCh37 (hg19) VCF-style: chr7-70229899-T-C.
Other names: c.1376T>C, p.Met459Thr (NM_001127231.3); short protein forms M459T.
Identifiers: ClinVar variation 3769165 (VCV003769165.2).